The following is an entry in ClinVar:

NM_000245.4(MET):c.1041A>C (p.Ala347=)

Gene: MET (MET proto-oncogene, receptor tyrosine kinase; plus strand). Cytogenetic location: 7q31.2.
Variant type: single nucleotide variant.
Coding change: c.1041A>C on transcript NM_000245.4 (MANE Select); coding-DNA position 1041, A replaced by C.
Protein change: p.Ala347=; no amino-acid change (alanine 347 retained).
Molecular consequence: synonymous variant. On other transcripts: intron variant (1).
Genome position (GRCh38, 1-based): chr7:116,700,125, A>C. VCF-style: chr7-116700125-A-C. GRCh37 (hg19) VCF-style: chr7-116340179-A-C.
Other names: c.1041A>C, p.Ala347= (NM_001127500.3, NM_001324401.3); c.-91+27548A>C (NM_001324402.2).
Identifiers: ClinVar variation 1598011 (VCV001598011.11), dbSNP rs1791515202, ClinGen allele CA457448262.
Genomic context (GRCh38, chr7:116,700,125, plus strand): 5'-CCAGCTTGCTAGACAAATAGGAGCCAGCCTGAATGATGACATTCTTTTCGGGGTGTTCGC[A>C]CAAAGCAAGCCAGATTCTGCCGAACCAATGGATCGATCTGCCATGTGTGCATTCCCTATC-3'
Protein context (NP_000236.2, residues 337-357): LNDDILFGVF[Ala347=]QSKPDSAEPM

ClinVar aggregate classification (germline): Benign/Likely benign. Review status: criteria provided, multiple submitters, no conflicts (2 of 4 stars). 3 submissions from 3 submitters: Benign (1); Likely benign (2). Last evaluated 2026-01-07.

Conditions:
Renal cell carcinoma. Identifiers: Orphanet 217071, MedGen C0007134, MeSH D002292, MONDO:0005086, HP:0005584.
Hereditary cancer-predisposing syndrome. Also called: Hereditary neoplastic syndrome; Hereditary Cancer Syndrome; Neoplastic Syndromes, Hereditary; Tumor predisposition. Identifiers: Orphanet 140162, MedGen C0027672, MeSH D009386, MONDO:0015356.
Papillary renal cell carcinoma type 1 (RCCP1). Also called: RENAL CELL CARCINOMA, PAPILLARY, 1, SOMATIC; Renal adenocarcinoma; Renal cell carcinoma 1; Renal cell carcinoma, somatic. Identifiers: Orphanet 47044, MedGen C1336839, OMIM 605074, HP:0011797.

Allele frequency attached by ClinVar (database versions not stated): gnomAD exomes below 0.00001.
gnomAD v4.1: 6 of 1,605,768 alleles (0.00037%); highest among the groups gnomAD compares: Non-Finnish European, 0.00043%; no homozygotes.

Submissions (3):

Labcorp Genetics (formerly Invitae), Labcorp
Classification: Likely benign for Renal cell carcinoma. Last evaluated: 2026-01-07. Review status: criteria provided, single submitter. Criteria: Invitae Variant Classification Sherloc (09022015). Collection method: clinical testing. Allele origin: germline.

Myriad Genetics, Inc.
Classification: Benign for Papillary renal cell carcinoma type 1. Last evaluated: 2024-11-07. Review status: criteria provided, single submitter. Criteria: Myriad Autosomal Dominant, Autosomal Recessive and X-Linked Classification Criteria (2023). Collection method: clinical testing. Allele origin: unknown.
Comment: This variant is considered benign. This variant is a silent/synonymous amino acid change and it is not expected to impact splicing.

Ambry Genetics
Classification: Likely benign for Hereditary cancer-predisposing syndrome. Last evaluated: 2021-12-23. Review status: criteria provided, single submitter. Criteria: Ambry Variant Classification Scheme 2023. Collection method: clinical testing. Allele origin: germline.